The following is an entry in ClinVar:

NM_001081.4(CUBN):c.8593G>A (p.Val2865Met)

Gene: CUBN (cubilin; minus strand). Cytogenetic location: 10p13.
Variant type: single nucleotide variant.
Coding change: c.8593G>A on transcript NM_001081.4 (MANE Select); coding-DNA position 8593, G replaced by A.
Protein change: p.Val2865Met; replaces valine 2865 with methionine.
Molecular consequence: missense variant.
Genome position (GRCh38, 1-based): chr10:16,899,001, C>T on the plus strand (G>A on the coding strand, the complement: CUBN is on the minus strand). VCF-style: chr10-16899001-C-T. GRCh37 (hg19) VCF-style: chr10-16941000-C-T.
Other names: short protein forms V2865M.
Identifiers: ClinVar variation 1038720 (VCV001038720.30), dbSNP rs146847375, ClinGen allele CA5422991.
Genomic context (GRCh38, chr10:16,899,001, plus strand): 5'-ACACTAATGTTCACAAAACCAACTTGGCTCCAATTAAATGAACAAGTGTACTAACCTTCA[C>T]GAAGCTATTCTGACATTGTCCATCACCGCTGGGGATTAGGAAGTTGTTGTCAAAGCTGAT-3'
Protein context (NP_001072.2, residues 2855-2875): SGDGQCQNSF[Val2865Met]KVWAGTEEVD

ClinVar aggregate classification (germline): Uncertain significance. Review status: criteria provided, multiple submitters, no conflicts (2 of 4 stars). 4 submissions from 4 submitters: Uncertain significance (4). Last evaluated 2025-01-29.

Conditions:
Imerslund-Grasbeck syndrome. Also called: ENTEROCYTE COBALAMIN MALABSORPTION; ENTEROCYTE INTRINSIC FACTOR RECEPTOR, DEFECT OF; Imerslund-Gräsbeck syndrome; Megaloblastic anemia due to inborn errors of metabolism; PERNICIOUS ANEMIA, JUVENILE, DUE TO SELECTIVE INTESTINAL MALABSORPTION OF VITAMIN B12, WITH PROTEINURIA. Identifiers: Orphanet 35858, MedGen C4551825, MONDO:0009853.

Allele frequency attached by ClinVar (database versions not stated): 1000 Genomes Project 0.00020; gnomAD 0.00037; ESP Exome Variant Server 0.00054; 1000 Genomes Project 30x 0.00062.
gnomAD v4.1: 730 of 1,607,960 alleles (0.045%); highest among the groups gnomAD compares: Non-Finnish European, 0.058%; 1 homozygote.

Submissions (4):

Labcorp Genetics (formerly Invitae), Labcorp
Classification: Uncertain significance for Imerslund-Grasbeck syndrome. Last evaluated: 2025-01-29. Review status: criteria provided, single submitter. Criteria: Invitae Variant Classification Sherloc (09022015). Collection method: clinical testing. Allele origin: germline.
Comment: This sequence change replaces valine, which is neutral and non-polar, with methionine, which is neutral and non-polar, at codon 2865 of the CUBN protein (p.Val2865Met). This variant is present in population databases (rs146847375, gnomAD 0.09%), and has an allele count higher than expected for a pathogenic variant. This missense change has been observed in individual(s) with Imerslund-Gr√§sbeck syndrome (PMID: 26040326). ClinVar contains an entry for this variant (Variation ID: 1038720). Invitae Evidence Modeling of protein sequence and biophysical properties (such as structural, functional, and spatial information, amino acid conservation, physicochemical variation, residue mobility, and thermodynamic stability) indicates that this missense variant is expected to disrupt CUBN protein function with a positive predictive value of 80%. In summary, the available evidence is currently insufficient to determine the role of this variant in disease. Therefore, it has been classified as a Variant of Uncertain Significance.

Blueprint Genetics
Classification: Uncertain significance. Last evaluated: 2024-11-20. Review status: criteria provided, single submitter. Criteria: ACMG Guidelines, 2015. Collection method: clinical testing. Allele origin: germline.

CeGaT Center for Human Genetics Tuebingen
Classification: Uncertain significance. Last evaluated: 2023-12-01. Review status: criteria provided, single submitter. Criteria: CeGaT Center For Human Genetics Tuebingen Variant Classification Criteria Version 2. Collection method: clinical testing. Allele origin: germline. Affected: yes. Observed: 1 variant allele.

Breakthrough Genomics
Classification: Uncertain significance. Review status: criteria provided, single submitter. Criteria: ACMG Guidelines, 2015. Collection method: not provided. Allele origin: germline. Inheritance: Autosomal recessive inheritance. Affected: yes.

Literature cited by the submitters: PubMed 26040326 (cited by Labcorp Genetics (formerly Invitae), Labcorp).